The following is an entry in ClinVar:

NM_001365999.1(SZT2):c.427A>G (p.Ile143Val)

Gene: SZT2 (SZT2 subunit of KICSTOR complex; plus strand). Cytogenetic location: 1p34.2.
Variant type: single nucleotide variant.
Coding change: c.427A>G on transcript NM_001365999.1 (MANE Select); coding-DNA position 427, A replaced by G.
Protein change: p.Ile143Val; replaces isoleucine 143 with valine.
Molecular consequence: missense variant.
Genome position (GRCh38, 1-based): chr1:43,404,479, A>G. VCF-style: chr1-43404479-A-G. GRCh37 (hg19) VCF-style: chr1-43870150-A-G.
Other names: c.427A>G, p.Ile143Val (NM_015284.4); short protein forms I143V.
Identifiers: ClinVar variation 1044290 (VCV001044290.8), dbSNP rs779465575, ClinGen allele CA808165.

ClinVar aggregate classification (germline): Uncertain significance (1 of 4 stars; one submission).

Allele frequency attached by ClinVar (database versions not stated): ExAC 0.00001; gnomAD exomes 0.00001.
gnomAD v4.1: 3 of 1,614,020 alleles (0.00019%); highest among the groups gnomAD compares: East Asian, 0.0045%; no homozygotes.

Submission:

Labcorp Genetics (formerly Invitae), Labcorp
Classification: Uncertain significance. Last evaluated: 2024-01-15. Review status: criteria provided, single submitter. Criteria: Invitae Variant Classification Sherloc (09022015). Collection method: clinical testing. Allele origin: germline.
Comment: This sequence change replaces isoleucine, which is neutral and non-polar, with valine, which is neutral and non-polar, at codon 143 of the SZT2 protein (p.Ile143Val). This variant is present in population databases (rs779465575, gnomAD 0.006%). This variant has not been reported in the literature in individuals affected with SZT2-related conditions. ClinVar contains an entry for this variant (Variation ID: 1044290). Advanced modeling of protein sequence and biophysical properties (such as structural, functional, and spatial information, amino acid conservation, physicochemical variation, residue mobility, and thermodynamic stability) performed at Invitae indicates that this missense variant is not expected to disrupt SZT2 protein function with a negative predictive value of 80%. In summary, the available evidence is currently insufficient to determine the role of this variant in disease. Therefore, it has been classified as a Variant of Uncertain Significance.